The following is an entry in ClinVar:

NM_003664.5(AP3B1):c.349A>G (p.Ile117Val)

Gene: AP3B1 (adaptor related protein complex 3 subunit beta 1; minus strand). Cytogenetic location: 5q14.1.
Variant type: single nucleotide variant.
Coding change: c.349A>G on transcript NM_003664.5 (MANE Select); coding-DNA position 349, A replaced by G.
Protein change: p.Ile117Val; replaces isoleucine 117 with valine.
Molecular consequence: missense variant.
Genome position (GRCh38, 1-based): chr5:78,228,170, T>C on the plus strand (A>G on the coding strand, the complement: AP3B1 is on the minus strand). VCF-style: chr5-78228170-T-C. GRCh37 (hg19) VCF-style: chr5-77523994-T-C.
Other names: c.202A>G, p.Ile68Val (NM_001271769.2); c.349A>G, p.Ile117Val (NM_001410752.1); short protein forms I117V, I68V.
Identifiers: ClinVar variation 1906848 (VCV001906848.4), dbSNP rs765022326, ClinGen allele CA3317387.
Genomic context (GRCh38, chr5:78,228,170, plus strand): 5'-TTGTAGCTATTTGCCTACTCACTCCATTATTTACCTTCAGAGCTCGCTGAAAAGTGCTTA[T>C]GGACAGGAGTGCAAGATCCTGCTGTTCTTCAGCATATCGAACCAGGTAAACATATACCAA-3'
Protein context (NP_003655.3, residues 107-127): EEQQDLALLS[Ile117Val]STFQRALKDP

ClinVar aggregate classification (germline): Uncertain significance (1 of 4 stars; one submission).

Conditions:
Hermansky-Pudlak syndrome 2 (HPS2). Also called: Platelet defects and oculocutaneous albinism. Identifiers: Orphanet 183678, Orphanet 79430, MedGen C1842362, MONDO:0011997, OMIM 608233.

Allele frequency attached by ClinVar (database versions not stated): ExAC 0.00001; gnomAD 0.00001; gnomAD exomes 0.00001; TOPMed 0.00001.
gnomAD v4.1: 8 of 1,609,382 alleles (0.0005%); highest among the groups gnomAD compares: Non-Finnish European, 0.00068%; no homozygotes.

Submission:

Labcorp Genetics (formerly Invitae), Labcorp
Classification: Uncertain significance for Hermansky-Pudlak syndrome 2. Last evaluated: 2024-02-24. Review status: criteria provided, single submitter. Criteria: Invitae Variant Classification Sherloc (09022015). Collection method: clinical testing. Allele origin: germline.
Comment: This sequence change replaces isoleucine, which is neutral and non-polar, with valine, which is neutral and non-polar, at codon 117 of the AP3B1 protein (p.Ile117Val). The frequency data for this variant in the population databases is considered unreliable, as metrics indicate poor data quality at this position in the gnomAD database. This variant has not been reported in the literature in individuals affected with AP3B1-related conditions. ClinVar contains an entry for this variant (Variation ID: 1906848). An algorithm developed to predict the effect of missense changes on protein structure and function (PolyPhen-2) suggests that this variant is likely to be disruptive. In summary, the available evidence is currently insufficient to determine the role of this variant in disease. Therefore, it has been classified as a Variant of Uncertain Significance.